The following is an entry in ClinVar:

NM_020911.2(PLXNA4):c.1775A>G (p.Asn592Ser)

Gene: PLXNA4 (plexin A4; minus strand). Cytogenetic location: 7q32.3.
Variant type: single nucleotide variant.
Coding change: c.1775A>G on transcript NM_020911.2 (MANE Select); coding-DNA position 1775, A replaced by G.
Protein change: p.Asn592Ser; replaces asparagine 592 with serine.
Molecular consequence: missense variant.
Genome position (GRCh38, 1-based): chr7:132,227,558, T>C on the plus strand (A>G on the coding strand, the complement: PLXNA4 is on the minus strand). VCF-style: chr7-132227558-T-C. GRCh37 (hg19) VCF-style: chr7-131912317-T-C.
Other names: c.1775A>G, p.Asn592Ser (NM_001393897.1); short protein forms N592S.
Identifiers: ClinVar variation 2282649 (VCV002282649.5), dbSNP rs767272765, ClinGen allele CA4490000.

ClinVar aggregate classification (germline): Uncertain significance. Review status: criteria provided, multiple submitters, no conflicts (2 of 4 stars). 2 submissions from 2 submitters: Uncertain significance (2). Last evaluated 2026-01-07.

Conditions:
PLXNA4-related disorder. Also called: PLXNA4-related condition.

Allele frequency attached by ClinVar (database versions not stated): ExAC 0.00002.
gnomAD v4.1: 9 of 1,613,900 alleles (0.00056%); highest among the groups gnomAD compares: Admixed American, 0.0083%; no homozygotes.

Submissions (2):

PreventionGenetics, part of Exact Sciences
Classification: Uncertain significance for PLXNA4-related condition. Last evaluated: 2026-01-07. Review status: criteria provided, single submitter. Criteria: ACMG Guidelines, 2015. Collection method: clinical testing. Allele origin: germline.
Comment: The PLXNA4 c.1775A>G variant is predicted to result in the amino acid substitution p.Asn592Ser. To our knowledge, this variant has not been reported in the literature. This variant is reported in 0.012% of alleles in individuals of Latino descent in gnomAD. At this time, the clinical significance of this variant is uncertain due to the absence of conclusive functional and genetic evidence.

Ambry Genetics
Classification: Uncertain significance. Last evaluated: 2025-06-03. Review status: criteria provided, single submitter. Criteria: Ambry Variant Classification Scheme 2023. Collection method: clinical testing. Allele origin: germline.